The following is an entry in ClinVar:

NM_001042492.3(NF1):c.60+6C>T

Genes: NF1 (neurofibromin 1; plus strand), MIR4733HG (MIR4733 host gene; minus strand), LOC111811965 (NF1 (neurofibromin 1) promoter region; plus strand). Cytogenetic location: 17q11.2.
Variant type: single nucleotide variant.
Coding change: c.60+6C>T on transcript NM_001042492.3 (MANE Select); 6 bases into the intron after coding-DNA position 60, C replaced by T.
Molecular consequence: intron variant. On other transcripts: non-coding transcript variant (1).
Genome position (GRCh38, 1-based): chr17:31,095,375, C>T. VCF-style: chr17-31095375-C-T. GRCh37 (hg19) VCF-style: chr17-29422393-C-T.
Other names: c.60+6C>T (NM_000267.4, NM_001128147.3).
Identifiers: ClinVar variation 1474845 (VCV001474845.6), dbSNP rs779260264, ClinGen allele CA499197554.

ClinVar aggregate classification (germline): Uncertain significance (1 of 4 stars; one submission).

Conditions:
Neurofibromatosis, type 1 (NF1). Also called: Neurofibromatosis, type I; VON RECKLINGHAUSEN DISEASE; NEUROFIBROMATOSIS, TYPE I, SOMATIC; Peripheral type neurofibromatosis. Identifiers: Orphanet 636, MedGen C0027831, MONDO:0018975, OMIM 162200. Disease mechanism: loss of function.

Submission:

Labcorp Genetics (formerly Invitae), Labcorp
Classification: Uncertain significance for Neurofibromatosis, type 1. Last evaluated: 2024-03-16. Review status: criteria provided, single submitter. Criteria: Invitae Variant Classification Sherloc (09022015). Collection method: clinical testing. Allele origin: germline.
Comment: This sequence change falls in intron 1 of the NF1 gene. It does not directly change the encoded amino acid sequence of the NF1 protein. It affects a nucleotide within the consensus splice site. This variant is not present in population databases (gnomAD no frequency). This variant has not been reported in the literature in individuals affected with NF1-related conditions. ClinVar contains an entry for this variant (Variation ID: 1474845). Variants that disrupt the consensus splice site are a relatively common cause of aberrant splicing (PMID: 17576681, 9536098). Algorithms developed to predict the effect of sequence changes on RNA splicing suggest that this variant is not likely to affect RNA splicing. In summary, the available evidence is currently insufficient to determine the role of this variant in disease. Therefore, it has been classified as a Variant of Uncertain Significance.

Literature cited by the submitters: PubMed 17576681; PubMed 9536098.